The following is an entry in ClinVar:

NM_000397.4(CYBB):c.1139G>A (p.Trp380Ter)

Gene: CYBB (cytochrome b-245 beta chain; plus strand). Cytogenetic location: Xp11.4.
Variant type: single nucleotide variant.
Coding change: c.1139G>A on transcript NM_000397.4 (MANE Select); coding-DNA position 1139, G replaced by A.
Protein change: p.Trp380Ter; replaces tryptophan 380 with a stop codon.
Molecular consequence: nonsense.
Genome position (GRCh38, 1-based): chrX:37,804,118, G>A. VCF-style: chrX-37804118-G-A. GRCh37 (hg19) VCF-style: chrX-37663371-G-A.
Other names: short protein forms W380*.
Identifiers: ClinVar variation 830059 (VCV000830059.6), dbSNP rs1602183244, ClinGen allele CA412977564.

ClinVar aggregate classification (germline): Pathogenic/Likely pathogenic. Review status: criteria provided, multiple submitters, no conflicts (2 of 4 stars). 2 submissions from 2 submitters: Pathogenic (1); Likely pathogenic (1). Last evaluated 2019-11-27.

Conditions:
Granulomatous disease, chronic, X-linked. Also called: GRANULOMATOUS DISEASE, CHRONIC, X-LINKED, SOMATIC MOSAIC; CYTOCHROME b-NEGATIVE GRANULOMATOUS DISEASE, CHRONIC, X-LINKED. Identifiers: Orphanet 379, MedGen C1844376, MONDO:0010600, OMIM 306400.

Submissions (2):

GeneDx
Classification: Pathogenic. Last evaluated: 2019-11-27. Review status: criteria provided, single submitter. Criteria: GeneDx Variant Classification Process June 2021. Collection method: clinical testing. Allele origin: germline. Affected: yes.
Comment: Nonsense variant predicted to result in protein truncation or nonsense mediated decay in a gene for which loss-of-function is a known mechanism of disease; Not observed in large population cohorts (Lek et al., 2016); This variant is associated with the following publications: (PMID: 32411386, 31501239, 32081864, 9585602, 29560547, 26886412, 20729109, 25525159)

Center for Molecular Medicine, Children’s Hospital of Fudan University
Classification: Likely pathogenic for Granulomatous disease, chronic, X-linked. Last evaluated: 2019-05-10. Review status: criteria provided, single submitter. Criteria: ACMG Guidelines, 2015. Collection method: clinical testing. Allele origin: de novo. Affected: yes.